The following is an entry in ClinVar:

ClinVar aggregate classification (germline): Conflicting classifications of pathogenicity. Review status: criteria provided, conflicting classifications (1 of 4 stars). 5 submissions from 5 submitters: Likely pathogenic (1); Uncertain significance (3). 1 of the submissions does not count toward it. Last evaluated 2026-03-05.

Conditions:
ABCG8-related disorder. Also called: ABCG8-related condition.
Cardiovascular phenotype. Identifiers: MedGen CN230736.
Sitosterolemia (STSL). Also called: PHYTOSTEROLEMIA. Identifiers: Orphanet 2882, MedGen C0342907, MONDO:0008863.

Allele frequency attached by ClinVar (database versions not stated): TOPMed 0.00003; ExAC 0.00004; gnomAD 0.00005.
gnomAD v4.1: 41 of 1,613,982 alleles (0.0025%); highest among the groups gnomAD compares: East Asian, 0.087%; no homozygotes.

Submissions (5):

Department of Cardiology, Mackay Memorial Hospital
Classification: Uncertain significance for Sitosterolemia. Last evaluated: 2026-03-05. Review status: criteria provided, single submitter. Criteria: ACMG Guidelines, 2015. Collection method: clinical testing. Allele origin: germline. Affected: yes.
Comment: The ABCG8 c.1877G>T (p.Gly626Val) (Accession: VCV002150481.9) variant is a missense alteration affecting a highly conserved residue near the C-terminal region of the protein. It is rare in population databases and has been reported in heterozygous individuals with elevated LDL-C as well as in patients carrying additional ABCG8 variants, including at least one reported trans configuration. Computational predictions regarding its functional impact are inconclusive, and no definitive functional studies have demonstrated impaired ABCG8 activity. Given the limited and heterogeneous clinical evidence and the absence of functional validation, the available data are insufficient to establish a pathogenic or benign role. Therefore, ABCG8 c.1877G>T (p.Gly626Val) is classified as a variant of uncertain significance (VUS).

Labcorp Genetics (formerly Invitae), Labcorp
Classification: Likely pathogenic. Last evaluated: 2025-08-23. Review status: criteria provided, single submitter. Criteria: Invitae Variant Classification Sherloc (09022015). Collection method: clinical testing. Allele origin: germline.
Comment: This sequence change replaces glycine, which is neutral and non-polar, with valine, which is neutral and non-polar, at codon 626 of the ABCG8 protein (p.Gly626Val). This variant is present in population databases (rs763289865, gnomAD 0.1%). This missense change has been observed in individual(s) with clinical features of sitosterolemia (PMID: 29353225, 34237177, 36229885; internal data). In at least one individual the data is consistent with being in trans (on the opposite chromosome) from a pathogenic variant. ClinVar contains an entry for this variant (Variation ID: 2150481). Invitae Evidence Modeling of protein sequence and biophysical properties (such as structural, functional, and spatial information, amino acid conservation, physicochemical variation, residue mobility, and thermodynamic stability) indicates that this missense variant is not expected to disrupt ABCG8 protein function with a negative predictive value of 80%. In summary, the currently available evidence indicates that the variant is pathogenic, but additional data are needed to prove that conclusively. Therefore, this variant has been classified as Likely Pathogenic.

Ambry Genetics
Classification: Uncertain significance for Cardiovascular phenotype. Last evaluated: 2025-03-07. Review status: criteria provided, single submitter. Criteria: Ambry Variant Classification Scheme 2023. Collection method: clinical testing. Allele origin: germline.
Comment: The p.G626V variant (also known as c.1877G>T), located in coding exon 12 of the ABCG8 gene, results from a G to T substitution at nucleotide position 1877. The glycine at codon 626 is replaced by valine, an amino acid with dissimilar properties. This variant has been identified in conjunction with other ABCG8 variant(s) in individual(s) with features consistent with sitosterolemia; in at least one instance, the variants were identified in trans (Zhang J et al. Lipids Health Dis, 2022 Oct;21:100). This amino acid position is highly conserved in available vertebrate species. In addition, the in silico prediction for this alteration is inconclusive. Based on the available evidence, the clinical significance of this variant remains unclear.

Women's Health and Genetics/Laboratory Corporation of America, LabCorp
Classification: Uncertain significance. Last evaluated: 2023-02-17. Review status: criteria provided, single submitter. Criteria: LabCorp Variant Classification Summary - May 2015. Collection method: clinical testing. Allele origin: germline.
Comment: Variant summary: ABCG8 c.1877G>T (p.Gly626Val) results in a non-conservative amino acid change in the encoded protein sequence. Three of five in-silico tools predict a damaging effect of the variant on protein function. The variant allele was found at a frequency of 8e-05 in 251474 control chromosomes, predominantly at a frequency of 0.0011 within the East Asian subpopulation in the gnomAD database. This frequency is not higher than estimated maximum expected for a pathogenic variant in ABCG8 causing Early Onset Coronary Artery Disease (0.005), allowing no conclusion about variant significance. c.1877G>T has been reported in the literature in three heterozygous individuals who had high LDL cholesterol levels (Pek_2018), and in another heterozygous patient affected with thrombocytopenia, who didn't have the manifestations of sitosterolemia (Zhang_2021). Recent literature suggests that simple heterozygous carriers might have altered lipid profiles (PMID: 33395105). However these reports do not provide unequivocal conclusions about association of the variant with Early Onset Coronary Artery Disease. To our knowledge, no experimental evidence demonstrating an impact on protein function has been reported. One clinical diagnostic laboratory has submitted clinical-significance assessments for this variant to ClinVar after 2014, and classified the variant as uncertain significance. Based on the evidence outlined above, the variant was classified as uncertain significance.

PreventionGenetics, part of Exact Sciences
Classification: Uncertain significance for ABCG8-related condition. Last evaluated: 2024-02-08. Review status: no assertion criteria provided. Collection method: clinical testing. Allele origin: germline. Not counted in ClinVar's aggregate classification.
Comment: The ABCG8 c.1877G>T variant is predicted to result in the amino acid substitution p.Gly626Val. This variant was reported in individuals with hypercholesterolaemia (classified as uncertain) and sitosterolemia phenotypes (Pek et al 2018. PubMed ID: 29353225; compound heterozygous in Zhang et al 2022. PubMed ID: 36229885, Table 1). This variant is reported in 0.13% of alleles in individuals of East Asian descent in gnomAD. At this time, the clinical significance of this variant is uncertain due to the absence of conclusive functional and genetic evidence.

Literature cited by the submitters: PubMed 36229885 (cited by 3 submitters); PubMed 34237177 (cited by 3 submitters); PubMed 29353225 (cited by Labcorp Genetics (formerly Invitae), Labcorp and Women's Health and Genetics/Laboratory Corporation of America, LabCorp).

NM_022437.3(ABCG8):c.1877G>T (p.Gly626Val)

Gene: ABCG8 (ATP binding cassette subfamily G member 8; plus strand). Cytogenetic location: 2p21.
Variant type: single nucleotide variant.
Coding change: c.1877G>T on transcript NM_022437.3 (MANE Select); coding-DNA position 1877, G replaced by T.
Protein change: p.Gly626Val; replaces glycine 626 with valine.
Molecular consequence: missense variant.
Genome position (GRCh38, 1-based): chr2:43,877,681, G>T. VCF-style: chr2-43877681-G-T. GRCh37 (hg19) VCF-style: chr2-44104820-G-T.
Other names: c.1874G>T, p.Gly625Val (NM_001357321.2); c.1877G>T (NM_022437.2); short protein forms G625V, G626V.
Identifiers: ClinVar variation 2150481 (VCV002150481.10), dbSNP rs763289865, ClinGen allele CA1637689.
Genomic context (GRCh38, chr2:43,877,681, plus strand): 5'-TTCAGTTCAGCAGAAGAACTTATAAAATGCCTCTCGGGAACCTCACCATCGCGGTCTCAG[G>T]AGATAAAGTAAGCGGGGAAGGCCTCGGGTTCTAAATTATTGGACGTCCGGCTTTCCATCC-3'
Protein context (NP_071882.1, residues 616-636): PLGNLTIAVS[Gly626Val]DKILSVMELD